The following is an entry in ClinVar:

NM_000089.4(COL1A2):c.2133+12C>A

Gene: COL1A2 (collagen type I alpha 2 chain; plus strand). Cytogenetic location: 7q21.3.
Variant type: single nucleotide variant.
Coding change: c.2133+12C>A on transcript NM_000089.4 (MANE Select); 12 bases into the intron after coding-DNA position 2133, C replaced by A.
Molecular consequence: intron variant.
Genome position (GRCh38, 1-based): chr7:94,420,298, C>A. VCF-style: chr7-94420298-C-A. GRCh37 (hg19) VCF-style: chr7-94049610-C-A.
Identifiers: ClinVar variation 512652 (VCV000512652.7), dbSNP rs554520173, ClinGen allele CA4347319.

ClinVar aggregate classification (germline): Benign/Likely benign. Review status: criteria provided, multiple submitters, no conflicts (2 of 4 stars). 3 submissions from 3 submitters: Benign (1); Likely benign (2). Last evaluated 2025-12-10.

Conditions:
Osteogenesis imperfecta type I (OI1). Also called: Lobstein's Disease; OI, TYPE I; OSTEOGENESIS IMPERFECTA TARDA; OSTEOGENESIS IMPERFECTA WITH BLUE SCLERAE; Classic Non-deforming Osteogenesis Imperfecta with Blue Sclerae; Lobstein disease. Identifiers: Orphanet 216796, Orphanet 666, MedGen C0023931, MONDO:0008146, OMIM 166200. Disease mechanism: loss of function.
Ehlers-Danlos syndrome, classic type, 1 (EDSCL1). Also called: Ehlers-Danlos syndrome, type 1; EHLERS-DANLOS SYNDROME, GRAVIS TYPE; EHLERS-DANLOS SYNDROME, SEVERE CLASSIC TYPE; Ehlers-Danlos Syndrome, Classic Type, COL5A1-Related; EDS I. Identifiers: MedGen C0268335, MONDO:0019567, OMIM 130000.

Allele frequency attached by ClinVar (database versions not stated): gnomAD below 0.00001 and 0.00007; TOPMed 0.00002; gnomAD exomes 0.00013 and 0.00028; ExAC 0.00032; 1000 Genomes Project 0.00040; 1000 Genomes Project 30x 0.00062.
gnomAD v4.1: 201 of 1,614,022 alleles (0.012%); highest among the groups gnomAD compares: South Asian, 0.21%; 1 homozygote.

Submissions (3):

Labcorp Genetics (formerly Invitae), Labcorp
Classification: Benign for Osteogenesis imperfecta type I; Ehlers-Danlos syndrome, classic type, 1. Last evaluated: 2025-12-10. Review status: criteria provided, single submitter. Criteria: Invitae Variant Classification Sherloc (09022015). Collection method: clinical testing. Allele origin: germline.

Blueprint Genetics
Classification: Likely benign. Last evaluated: 2024-08-12. Review status: criteria provided, single submitter. Criteria: ACMG Guidelines, 2015. Collection method: clinical testing. Allele origin: germline.

GeneDx
Classification: Likely benign. Last evaluated: 2017-10-09. Review status: criteria provided, single submitter. Criteria: GeneDx Variant Classification (06012015). Collection method: clinical testing. Allele origin: germline. Affected: yes.
Comment: This variant is considered likely benign or benign based on one or more of the following criteria: it is a conservative change, it occurs at a poorly conserved position in the protein, it is predicted to be benign by multiple in silico algorithms, and/or has population frequency not consistent with disease.